The following is an entry in ClinVar:

ClinVar aggregate classification (germline): Pathogenic (1 of 4 stars; one submission).

Conditions:
Hereditary breast ovarian cancer syndrome. Also called: Hereditary breast and ovarian cancer syndrome (HBOC); Hereditary breast and ovarian cancer syndrome; Breast and ovarian cancer; Hereditary breast and/or ovarian cancer syndrome; Hereditary breast and ovarian cancer; BRCA1- and BRCA2-Associated Hereditary Breast and Ovarian Cancer. Identifiers: Orphanet 145, MedGen C0677776, MeSH D061325, MONDO:0003582. Disease mechanism: loss of function.

Submission:

Labcorp Genetics (formerly Invitae), Labcorp
Classification: Pathogenic for Hereditary breast ovarian cancer syndrome. Last evaluated: 2017-05-28. Review status: criteria provided, single submitter. Criteria: Invitae Variant Classification Sherloc (09022015). Collection method: clinical testing. Allele origin: germline.
Comment: Loss-of-function variants in BRCA2 are known to be pathogenic (PMID: 20104584). For these reasons, this variant has been classified as Pathogenic. This variant has not been reported in the literature in individuals with a BRCA2-related disease. This variant is not present in population databases (ExAC no frequency). This sequence change creates a premature translational stop signal (p.Arg2418Glufs*51) in the BRCA2 gene. It is expected to result in an absent or disrupted protein product.

Literature cited by the submitters: PubMed 20104584.

NM_000059.4(BRCA2):c.7252del (p.Arg2418fs)

Gene: BRCA2 (BRCA2 DNA repair associated; plus strand). Cytogenetic location: 13q13.1.
Variant type: Deletion.
Coding change: c.7252del on transcript NM_000059.4 (MANE Select); coding-DNA position 7252, one base deleted (A; older notation c.7252delA).
Protein change: p.Arg2418fs; shifts the reading frame from arginine 2418.
Molecular consequence: frameshift variant.
Genome position (GRCh38, 1-based): chr13:32,355,105, A deleted. VCF-style (leftmost placement, unchanged base first): chr13-32355104-CA-C. GRCh37 (hg19) VCF-style: chr13-32929241-CA-C.
Other names: c.7252delA (NM_000059.3); short protein forms R2418fs.
Identifiers: ClinVar variation 462433 (VCV000462433.7), dbSNP rs1555286059, ClinGen allele CA658656415.